The following is an entry in ClinVar:

NM_213599.3(ANO5):c.457A>G (p.Ile153Val)

Gene: ANO5 (anoctamin 5; plus strand). Cytogenetic location: 11p14.3.
Variant type: single nucleotide variant.
Coding change: c.457A>G on transcript NM_213599.3 (MANE Select); coding-DNA position 457, A replaced by G.
Protein change: p.Ile153Val; replaces isoleucine 153 with valine.
Molecular consequence: missense variant.
Genome position (GRCh38, 1-based): chr11:22,227,395, A>G. VCF-style: chr11-22227395-A-G. GRCh37 (hg19) VCF-style: chr11-22248941-A-G.
Other names: c.454A>G, p.Ile152Val (NM_001142649.2); short protein forms I153V, I152V.
Identifiers: ClinVar variation 931302 (VCV000931302.10), dbSNP rs780988638, ClinGen allele CA5922930.

ClinVar aggregate classification (germline): Uncertain significance. Review status: criteria provided, multiple submitters, no conflicts (2 of 4 stars). 3 submissions from 3 submitters: Uncertain significance (3). Last evaluated 2025-06-04.

Conditions:
Gnathodiaphyseal dysplasia (GDD). Also called: GNATHODIAPHYSEAL SCLEROSIS; OSTEOGENESIS IMPERFECTA WITH UNUSUAL SKELETAL LESIONS. Identifiers: Orphanet 53697, MedGen C1833736, MONDO:0008151, OMIM 166260.
Autosomal recessive limb-girdle muscular dystrophy type 2L (LGMDR12). Also called: Limb-girdle muscular dystrophy, type 2L; Limb-Girdle Muscular Dystrophy R12 Anoctamin-5-Related (LGMD-R12); MUSCULAR DYSTROPHY, LIMB-GIRDLE, AUTOSOMAL RECESSIVE 12. Identifiers: Orphanet 206549, MedGen C1969785, MONDO:0012652, OMIM 611307.
Inborn genetic diseases. Identifiers: MedGen C0950123, MeSH D030342.

Allele frequency attached by ClinVar (database versions not stated): TOPMed 0.00002; gnomAD 0.00003 and 0.00001; gnomAD exomes 0.00003 and 0.00001; ExAC 0.00002.
gnomAD v4.1: 22 of 1,613,420 alleles (0.0014%); highest among the groups gnomAD compares: Admixed American, 0.0084%; no homozygotes.

Submissions (3):

Ambry Genetics
Classification: Uncertain significance for Inborn genetic diseases. Last evaluated: 2025-06-04. Review status: criteria provided, single submitter. Criteria: Ambry Variant Classification Scheme 2023. Collection method: clinical testing. Allele origin: germline.

Labcorp Genetics (formerly Invitae), Labcorp
Classification: Uncertain significance for Autosomal recessive limb-girdle muscular dystrophy type 2L; Gnathodiaphyseal dysplasia. Last evaluated: 2022-11-28. Review status: criteria provided, single submitter. Criteria: Invitae Variant Classification Sherloc (09022015). Collection method: clinical testing. Allele origin: germline.
Comment: In summary, the available evidence is currently insufficient to determine the role of this variant in disease. Therefore, it has been classified as a Variant of Uncertain Significance. This sequence change replaces isoleucine, which is neutral and non-polar, with valine, which is neutral and non-polar, at codon 153 of the ANO5 protein (p.Ile153Val). This variant is present in population databases (rs780988638, gnomAD 0.01%). This variant has not been reported in the literature in individuals affected with ANO5-related conditions. ClinVar contains an entry for this variant (Variation ID: 931302). Advanced modeling of protein sequence and biophysical properties (such as structural, functional, and spatial information, amino acid conservation, physicochemical variation, residue mobility, and thermodynamic stability) performed at Invitae indicates that this missense variant is not expected to disrupt ANO5 protein function.

Centre for Mendelian Genomics, University Medical Centre Ljubljana
Classification: Uncertain significance for Gnathodiaphyseal dysplasia. Last evaluated: 2019-03-08. Review status: criteria provided, single submitter. Criteria: ACMG Guidelines, 2015. Collection method: clinical testing. Allele origin: unknown. Affected: yes.
Comment: This variant was classified as: Uncertain significance. The available evidence on this variant's pathogenicity is insufficient or conflicting. The following ACMG criteria were applied in classifying this variant: No criteria apply.